The following is an entry in ClinVar:

NM_025243.4(SLC19A3):c.346G>A (p.Val116Ile)

Gene: SLC19A3 (solute carrier family 19 member 3; minus strand). Cytogenetic location: 2q36.3.
Variant type: single nucleotide variant.
Coding change: c.346G>A on transcript NM_025243.4 (MANE Select); coding-DNA position 346, G replaced by A.
Protein change: p.Val116Ile; replaces valine 116 with isoleucine.
Molecular consequence: missense variant.
Genome position (GRCh38, 1-based): chr2:227,699,369, C>T on the plus strand (G>A on the coding strand, the complement: SLC19A3 is on the minus strand). VCF-style: chr2-227699369-C-T. GRCh37 (hg19) VCF-style: chr2-228564085-C-T.
Other names: c.346G>A, p.Val116Ile (NM_001371411.1, NM_001371412.1); c.334G>A, p.Val112Ile (NM_001371413.1, NM_001371414.1); short protein forms V116I, V112I.
Identifiers: ClinVar variation 936530 (VCV000936530.7), dbSNP rs779294877, ClinGen allele CA2149326.

ClinVar aggregate classification (germline): Uncertain significance (1 of 4 stars; one submission).

Conditions:
Biotin-responsive basal ganglia disease (BTBGD). Also called: Thiamine metabolism dysfunction syndrome type 2; Thiamine Transporter-2 Deficiency; THIAMINE METABOLISM DYSFUNCTION SYNDROME 2 (BIOTIN- AND THIAMINE-RESPONSIVE TYPE); Thiamine metabolism dysfunction syndrome 2 (biotin- or thiamine-responsive encephalopathy type 2); thiamine-responsive encephalopathy. Identifiers: Orphanet 199348, Orphanet 65284, MedGen C1843807, MONDO:0011841, OMIM 607483.

Allele frequency attached by ClinVar (database versions not stated): gnomAD exomes below 0.00001; ExAC 0.00001.
gnomAD v4.1: 1 of 1,614,110 alleles (0.000062%); highest among the groups gnomAD compares: South Asian, 0.0011%; no homozygotes.

Submission:

Labcorp Genetics (formerly Invitae), Labcorp
Classification: Uncertain significance for Biotin-responsive basal ganglia disease. Last evaluated: 2022-06-14. Review status: criteria provided, single submitter. Criteria: Invitae Variant Classification Sherloc (09022015). Collection method: clinical testing. Allele origin: germline.
Comment: This sequence change replaces valine, which is neutral and non-polar, with isoleucine, which is neutral and non-polar, at codon 116 of the SLC19A3 protein (p.Val116Ile). This variant is present in population databases (rs779294877, gnomAD no frequency). This variant has not been reported in the literature in individuals affected with SLC19A3-related conditions. ClinVar contains an entry for this variant (Variation ID: 936530). Advanced modeling of protein sequence and biophysical properties (such as structural, functional, and spatial information, amino acid conservation, physicochemical variation, residue mobility, and thermodynamic stability) performed at Invitae indicates that this missense variant is not expected to disrupt SLC19A3 protein function. In summary, the available evidence is currently insufficient to determine the role of this variant in disease. Therefore, it has been classified as a Variant of Uncertain Significance.